The following is an entry in ClinVar:

ClinVar aggregate classification (germline): Uncertain significance (1 of 4 stars; one submission).

Conditions:
Developmental delay with dysmorphic facies and dental anomalies. Identifiers: MedGen C5543197, MONDO:0030988, OMIM 619228.

Submission:

Institute of Human Genetics, University of Leipzig Medical Center
Classification: Uncertain significance for Developmental delay with dysmorphic facies and dental anomalies. Last evaluated: 2026-02-02. Review status: criteria provided, single submitter. Criteria: ACMG Guidelines, 2015. Collection method: clinical testing. Allele origin: unknown. Inheritance: Autosomal dominant inheritance. Affected: yes.
Comment: Criteria applied: PVS1_MOD,PM2

NM_002971.6(SATB1):c.2033dup (p.Ser679fs)

Gene: SATB1 (SATB homeobox 1; minus strand). Cytogenetic location: 3p24.3.
Variant type: Duplication.
Coding change: c.2033dup on transcript NM_002971.6 (MANE Select); coding-DNA position 2033, one base duplicated (T; older notation c.2033dupT).
Protein change: p.Ser679fs; shifts the reading frame from serine 679.
Molecular consequence: frameshift variant.
Genome position (GRCh38, 1-based): chr3:18,349,429, A duplicated on the plus strand (T on the coding strand, the reverse complement: SATB1 is on the minus strand). VCF-style (leftmost placement, unchanged base first): chr3-18349428-C-CA. GRCh37 (hg19) VCF-style: chr3-18390920-C-CA.
Other names: c.2033dup, p.Ser679fs (NM_001131010.4, NM_001322872.2, NM_001322873.2 and 2 more transcripts); c.2129dup, p.Ser711fs (NM_001195470.3, NM_001322871.2); c.1817dup, p.Ser607fs (NM_001322876.2); short protein forms S607fs, S679fs, S711fs.
Identifiers: ClinVar variation 4819128 (VCV004819128.1).
Genomic context (GRCh38, chr3:18,349,428, plus strand): 5'-GTACCGCTGGTTCTGAAAGAACTTGATGATGGTGTACTTGGGAAGGTCGAGCTGGGCAGA[C>CA]AGAGTCTGGATGGCCTCTTCGTCAGGGTACAGGCCCACGTCTTGTATGAAACTCTGGAGG-3'